The following is an entry in ClinVar:

NM_004793.4(LONP1):c.852G>C (p.Gln284His)

Gene: LONP1 (lon peptidase 1, mitochondrial; minus strand). Cytogenetic location: 19p13.3.
Variant type: single nucleotide variant.
Coding change: c.852G>C on transcript NM_004793.4 (MANE Select); coding-DNA position 852, G replaced by C.
Protein change: p.Gln284His; replaces glutamine 284 with histidine.
Molecular consequence: missense variant. On other transcripts: non-coding transcript variant (1).
Genome position (GRCh38, 1-based): chr19:5,711,789, C>G on the plus strand (G>C on the coding strand, the complement: LONP1 is on the minus strand). VCF-style: chr19-5711789-C-G. GRCh37 (hg19) VCF-style: chr19-5711800-C-G.
Other names: c.660G>C, p.Gln220His (NM_001276479.2); c.264G>C, p.Gln88His (NM_001276480.1); short protein forms Q284H, Q88H, Q220H.
Identifiers: ClinVar variation 1964962 (VCV001964962.5), dbSNP rs745768310, ClinGen allele CA9114955.
Genomic context (GRCh38, chr19:5,711,789, plus strand): 5'-GGGGAGGCAGCTGTGGCCGCCCTGCGTGACGCACGGACTCACTTTCACCTCCTCCGTGAC[C>G]TGGAAGTCCTCGTGGACAACGTTCTCTACCTCCACCATGAGCACCTCAGCCGGGAGCTCA-3'
Protein context (NP_004784.2, residues 274-294): EVENVVHEDF[Gln284His]VTEEVKALTA

ClinVar aggregate classification (germline): Uncertain significance (1 of 4 stars; one submission).

Allele frequency attached by ClinVar (database versions not stated): gnomAD exomes below 0.00001; ExAC 0.00002.
gnomAD v4.1: 5 of 1,610,260 alleles (0.00031%); highest among the groups gnomAD compares: Admixed American, 0.0083%; no homozygotes.

Submission:

Labcorp Genetics (formerly Invitae), Labcorp
Classification: Uncertain significance. Last evaluated: 2024-08-15. Review status: criteria provided, single submitter. Criteria: Invitae Variant Classification Sherloc (09022015). Collection method: clinical testing. Allele origin: germline.
Comment: This sequence change replaces glutamine, which is neutral and polar, with histidine, which is basic and polar, at codon 284 of the LONP1 protein (p.Gln284His). This variant is present in population databases (rs745768310, gnomAD 0.01%). This variant has not been reported in the literature in individuals affected with LONP1-related conditions. ClinVar contains an entry for this variant (Variation ID: 1964962). Invitae Evidence Modeling of protein sequence and biophysical properties (such as structural, functional, and spatial information, amino acid conservation, physicochemical variation, residue mobility, and thermodynamic stability) indicates that this missense variant is not expected to disrupt LONP1 protein function with a negative predictive value of 80%. In summary, the available evidence is currently insufficient to determine the role of this variant in disease. Therefore, it has been classified as a Variant of Uncertain Significance.